The following is an entry in ClinVar:

ClinVar aggregate classification (germline): Pathogenic (1 of 4 stars; one submission).

Conditions:
Hereditary spastic paraplegia 49 (HSAN9). Also called: TECPR2-Related Hereditary Sensory and Autonomic Neuropathy with Intellectual Disability; NEUROPATHY, HEREDITARY SENSORY AND AUTONOMIC, TYPE IX, WITH DEVELOPMENTAL DELAY; Spastic paraplegia 49, autosomal recessive. Identifiers: Orphanet 320385, MedGen C5190860, MONDO:0014016, OMIM 615031.

Submission:

Labcorp Genetics (formerly Invitae), Labcorp
Classification: Pathogenic for Hereditary spastic paraplegia 49. Last evaluated: 2023-10-25. Review status: criteria provided, single submitter. Criteria: Invitae Variant Classification Sherloc (09022015). Collection method: clinical testing. Allele origin: germline.
Comment: This sequence change creates a premature translational stop signal (p.Thr638Ilefs*8) in the TECPR2 gene. It is expected to result in an absent or disrupted protein product. Loss-of-function variants in TECPR2 are known to be pathogenic (PMID: 23176824, 25590979). This variant is not present in population databases (gnomAD no frequency). This variant has not been reported in the literature in individuals affected with TECPR2-related conditions. For these reasons, this variant has been classified as Pathogenic.

Literature cited by the submitters: PubMed 23176824; PubMed 25590979.

NM_014844.5(TECPR2):c.1913del (p.Thr638fs)

Gene: TECPR2 (tectonin beta-propeller repeat containing 2; plus strand). Cytogenetic location: 14q32.31.
Variant type: Deletion.
Coding change: c.1913del on transcript NM_014844.5 (MANE Select); coding-DNA position 1913, one base deleted (C; older notation c.1913delC).
Protein change: p.Thr638fs; shifts the reading frame from threonine 638.
Molecular consequence: frameshift variant.
Genome position (GRCh38, 1-based): chr14:102,434,730, C deleted. VCF-style (leftmost placement, unchanged base first): chr14-102434729-AC-A. GRCh37 (hg19) VCF-style: chr14-102901066-AC-A.
Other names: c.1913del, p.Thr638fs (NM_001172631.3); short protein forms T638fs.
Identifiers: ClinVar variation 2845963 (VCV002845963.3), dbSNP rs2504425233, ClinGen allele CA2739279006.
Genomic context (GRCh38, chr14:102,434,729, plus strand): 5'-CAGGACAGCTCTCCTGGGGCGCATGATGGGGAAGACATCCAACCCATTGGCCCCCAAAGC[AC>A]TTTTTGTGAAGTCCCCCTCCTGAACTCACTCACTGTGCCTTCCAGCCTCAGCTGGGCCCC-3'